The following is an entry in ClinVar:

NM_015450.3(POT1):c.1023G>A (p.Gln341=)

Gene: POT1 (protection of telomeres 1; minus strand). Cytogenetic location: 7q31.33.
Variant type: single nucleotide variant.
Coding change: c.1023G>A on transcript NM_015450.3 (MANE Select); coding-DNA position 1023, G replaced by A.
Protein change: p.Gln341=; no amino-acid change (glutamine 341 retained).
Molecular consequence: synonymous variant. On other transcripts: non-coding transcript variant (3).
Genome position (GRCh38, 1-based): chr7:124,842,947, C>T on the plus strand (G>A on the coding strand, the complement: POT1 is on the minus strand). VCF-style: chr7-124842947-C-T. GRCh37 (hg19) VCF-style: chr7-124483001-C-T.
Other names: c.630G>A, p.Gln210= (NM_001042594.2).
Identifiers: ClinVar variation 475013 (VCV000475013.22), dbSNP rs147003926, ClinGen allele CA4465244.

ClinVar aggregate classification (germline): Likely benign. Review status: criteria provided, multiple submitters, no conflicts (2 of 4 stars). 5 submissions from 5 submitters: Likely benign (4). 1 of the submissions does not count toward it. Last evaluated 2026-01-11.

Conditions:
Tumor predisposition syndrome 3 (TPDS3). Also called: Glioma susceptibility 9; LONG TELOMERE SYNDROME, POT1-RELATED; POT1 Tumor Predisposition; Melanoma, cutaneous malignant, susceptibility to, 10. Identifiers: Orphanet 618, MedGen C4014476, MONDO:0014368, OMIM 615848.
POT1-related disorder. Also called: POT1-related condition.
Hereditary cancer-predisposing syndrome. Also called: Hereditary neoplastic syndrome; Hereditary Cancer Syndrome; Neoplastic Syndromes, Hereditary; Tumor predisposition. Identifiers: Orphanet 140162, MedGen C0027672, MeSH D009386, MONDO:0015356.

Allele frequency attached by ClinVar (database versions not stated): gnomAD exomes 0.00008; ExAC 0.00011; gnomAD 0.00016 and 0.00017; 1000 Genomes Project 0.00020; TOPMed 0.00026; 1000 Genomes Project 30x 0.00031; ESP Exome Variant Server 0.00054.
gnomAD v4.1: 55 of 1,583,178 alleles (0.0035%); highest among the groups gnomAD compares: African/African-American, 0.042%; 1 homozygote.

Submissions (5):

Labcorp Genetics (formerly Invitae), Labcorp
Classification: Likely benign for Tumor predisposition syndrome 3. Last evaluated: 2026-01-11. Review status: criteria provided, single submitter. Criteria: Invitae Variant Classification Sherloc (09022015). Collection method: clinical testing. Allele origin: germline.

Sema4
Classification: Likely benign for Hereditary cancer-predisposing syndrome. Last evaluated: 2021-06-04. Review status: criteria provided, single submitter. Criteria: Sema4 Curation Guidelines. Collection method: curation. Allele origin: germline.

GeneDx
Classification: Likely benign. Last evaluated: 2020-12-03. Review status: criteria provided, single submitter. Criteria: GeneDx Variant Classification Process June 2021. Collection method: clinical testing. Allele origin: germline. Affected: yes.

Ambry Genetics
Classification: Likely benign for Hereditary cancer-predisposing syndrome. Last evaluated: 2018-03-13. Review status: criteria provided, single submitter. Criteria: Ambry Variant Classification Scheme 2023. Collection method: clinical testing. Allele origin: germline.

PreventionGenetics, part of Exact Sciences
Classification: Likely benign for POT1-related condition. Last evaluated: 2023-11-01. Review status: no assertion criteria provided. Collection method: clinical testing. Allele origin: germline. Not counted in ClinVar's aggregate classification.
Comment: This variant is classified as likely benign based on ACMG/AMP sequence variant interpretation guidelines (Richards et al. 2015 PMID: 25741868, with internal and published modifications).